The following is an entry in ClinVar:

ClinVar aggregate classification (germline): Likely benign (1 of 4 stars; one submission).

Allele frequency attached by ClinVar (database versions not stated): 1000 Genomes Project 30x 0.01093; 1000 Genomes Project 0.01118; gnomAD 0.02475 and 0.02541; TOPMed 0.02491.

Submission:

GeneDx
Classification: Likely benign. Last evaluated: 2018-06-19. Review status: criteria provided, single submitter. Criteria: GeneDx Variant Classification (06012015). Collection method: clinical testing. Allele origin: germline. Affected: yes.
Comment: This variant is considered likely benign or benign based on one or more of the following criteria: it is a conservative change, it occurs at a poorly conserved position in the protein, it is predicted to be benign by multiple in silico algorithms, and/or has population frequency not consistent with disease.

NM_015634.4(KIFBP):c.789+265G>A

Gene: KIFBP (kinesin family binding protein; plus strand). Cytogenetic location: 10q22.1.
Variant type: single nucleotide variant.
Coding change: c.789+265G>A on transcript NM_015634.4 (MANE Select); 265 bases into the intron after coding-DNA position 789, G replaced by A.
Molecular consequence: intron variant.
Genome position (GRCh38, 1-based): chr10:69,006,180, G>A. VCF-style: chr10-69006180-G-A. GRCh37 (hg19) VCF-style: chr10-70765936-G-A.
Identifiers: ClinVar variation 671908 (VCV000671908.1), dbSNP rs41300552, ClinGen allele CA16393460.